The following is an entry in ClinVar:

NC_000003.12:g.169764862G>A

Genes: TERC (telomerase RNA component; minus strand), LOC110806306 (telomerase RNA component (TERC) promoter; plus strand). Cytogenetic location: 3q26.2.
Variant type: single nucleotide variant.
Genome position: GRCh38 VCF-style: chr3-169764862-G-A. GRCh37 (hg19) VCF-style: chr3-169482650-G-A.
Identifiers: ClinVar variation 576058 (VCV000576058.10), dbSNP rs760168757, ClinGen allele CA2696809.

ClinVar aggregate classification (germline): Uncertain significance (1 of 4 stars; one submission).

Conditions:
Dyskeratosis congenita, autosomal dominant 1 (DKCA1). Also called: Dyskeratosis congenita Scoggins type. Identifiers: Orphanet 1775, MedGen C4551974, MONDO:0007485, OMIM 127550. Inheritance: Variable.

Allele frequency attached by ClinVar (database versions not stated): TOPMed 0.00003; gnomAD exomes 0.00007 and 0.00005; 1000 Genomes Project 30x 0.00016; gnomAD 0.00003; ExAC 0.00010.
gnomAD v4.1: 38 of 754,974 alleles (0.005%); highest among the groups gnomAD compares: South Asian, 0.03%; no homozygotes.

Submission:

Labcorp Genetics (formerly Invitae), Labcorp
Classification: Uncertain significance for Dyskeratosis congenita, autosomal dominant 1. Last evaluated: 2025-08-18. Review status: criteria provided, single submitter. Criteria: Invitae Variant Classification Sherloc (09022015). Collection method: clinical testing. Allele origin: germline.
Comment: This variant occurs in the TERC gene, which encodes an RNA molecule that does not result in a protein product. This variant is present in population databases (rs760168757, gnomAD 0.04%), and has an allele count higher than expected for a pathogenic variant. This variant has not been reported in the literature in individuals affected with TERC-related conditions. ClinVar contains an entry for this variant (Variation ID: 576058). This variant is located within the hypervariable region that is not conserved in the TERC RNA component (PMID: 10721988, 21844345). The functional significance of this region is not well understood. In summary, the available evidence is currently insufficient to determine the role of this variant in disease. Therefore, it has been classified as a Variant of Uncertain Significance.

Literature cited by the submitters: PubMed 10721988; PubMed 21844345.